The following is an entry in ClinVar:

ClinVar aggregate classification (germline): Pathogenic (1 of 4 stars; one submission).

Conditions:
Early-infantile DEE. Also called: Early infantile epileptic encephalopathy with suppression bursts; Early infantile epileptic encephalopathy; Ohtahara syndrome. Identifiers: Orphanet 1934, MedGen C0393706, MONDO:0800491.

Submission:

Labcorp Genetics (formerly Invitae), Labcorp
Classification: Pathogenic for Early-infantile DEE. Last evaluated: 2024-01-15. Review status: criteria provided, single submitter. Criteria: Invitae Variant Classification Sherloc (09022015). Collection method: clinical testing. Allele origin: germline.
Comment: This sequence change replaces aspartic acid, which is acidic and polar, with histidine, which is basic and polar, at codon 266 of the KCNQ2 protein (p.Asp266His). This variant is not present in population databases (gnomAD no frequency). This missense change has been observed in individual(s) with KCNQ2-related conditions (PMID: 34711204). In at least one individual the variant was observed to be de novo. Advanced modeling of protein sequence and biophysical properties (such as structural, functional, and spatial information, amino acid conservation, physicochemical variation, residue mobility, and thermodynamic stability) performed at Invitae indicates that this missense variant is expected to disrupt KCNQ2 protein function with a positive predictive value of 95%. This variant disrupts the p.Asp266 amino acid residue in KCNQ2. Other variant(s) that disrupt this residue have been determined to be pathogenic (Invitae). This suggests that this residue is clinically significant, and that variants that disrupt this residue are likely to be disease-causing. For these reasons, this variant has been classified as Pathogenic.

Literature cited by the submitters: PubMed 34711204.

NM_172107.4(KCNQ2):c.796G>C (p.Asp266His)

Gene: KCNQ2 (potassium voltage-gated channel subfamily Q member 2; minus strand). Cytogenetic location: 20q13.33.
Variant type: single nucleotide variant.
Coding change: c.796G>C on transcript NM_172107.4 (MANE Select); coding-DNA position 796, G replaced by C.
Protein change: p.Asp266His; replaces aspartic acid 266 with histidine.
Molecular consequence: missense variant.
Genome position (GRCh38, 1-based): chr20:63,442,426, C>G on the plus strand (G>C on the coding strand, the complement: KCNQ2 is on the minus strand). VCF-style: chr20-63442426-C-G. GRCh37 (hg19) VCF-style: chr20-62073779-C-G.
Other names: c.796G>C, p.Asp266His (NM_004518.6, NM_172106.3, NM_172108.5 and 2 more transcripts); short protein forms D266H.
Identifiers: ClinVar variation 2748243 (VCV002748243.3), dbSNP rs2516446102, ClinGen allele CA409653391.